The following is an entry in ClinVar:

ClinVar aggregate classification (germline): Uncertain significance (1 of 4 stars; one submission).

gnomAD v4.1: 24 of 1,574,546 alleles (0.0015%); highest among the groups gnomAD compares: Non-Finnish European, 0.0021%; no homozygotes.

Submission:

GeneDx
Classification: Uncertain significance. Last evaluated: 2022-03-18. Review status: criteria provided, single submitter. Criteria: GeneDx Variant Classification Process June 2021. Collection method: clinical testing. Allele origin: germline. Affected: yes.
Comment: Not observed at significant frequency in large population cohorts (gnomAD); In silico analysis supports that this missense variant has a deleterious effect on protein structure/function; Has not been previously published as pathogenic or benign to our knowledge

NM_000435.3(NOTCH3):c.2632G>C (p.Gly878Arg)

Gene: NOTCH3 (notch receptor 3; minus strand). Cytogenetic location: 19p13.12.
Variant type: single nucleotide variant.
Coding change: c.2632G>C on transcript NM_000435.3 (MANE Select); coding-DNA position 2632, G replaced by C.
Protein change: p.Gly878Arg; replaces glycine 878 with arginine.
Molecular consequence: missense variant.
Genome position (GRCh38, 1-based): chr19:15,181,736, C>G on the plus strand (G>C on the coding strand, the complement: NOTCH3 is on the minus strand). VCF-style: chr19-15181736-C-G. GRCh37 (hg19) VCF-style: chr19-15292547-C-G.
Other names: short protein forms G878R.
Identifiers: ClinVar variation 1706145 (VCV001706145.2), dbSNP rs1024501380, ClinGen allele CA404517480.